The following is an entry in ClinVar:

ClinVar aggregate classification (germline): Uncertain significance. Review status: criteria provided, multiple submitters, no conflicts (2 of 4 stars). 2 submissions from 2 submitters: Uncertain significance (2). Last evaluated 2025-07-01.

Conditions:
RYR1-related disorder. Also called: RYR1-related condition; RYR1-related disorders. Identifiers: MedGen CN239331.
Malignant hyperthermia, susceptibility to, 1 (MHS1). Also called: Malignant hyperthermia suceptibility 1; RYR1-Related Malignant Hyperthermia Susceptibility; Anesthesia related hyperthermia; Malignant hyperpyrexia; Fulminating hyperpyrexia; Pharmacogenic myopathy. Identifiers: Orphanet 423, MedGen C2930980, MONDO:0007783, OMIM 145600.

Submissions (2):

Color Diagnostics, LLC DBA Color Health
Classification: Uncertain significance for Malignant hyperthermia, susceptibility to, 1. Last evaluated: 2025-07-01. Review status: criteria provided, single submitter. Criteria: ACMG Guidelines, 2015. Collection method: clinical testing. Allele origin: germline.
Comment: This missense variant replaces glycine with alanine at codon 248 of the RYR1 protein. Computational prediction is inconclusive regarding the impact of this variant on protein structure and function. To our knowledge, functional studies have not been reported for this variant. This variant has not been reported in individuals affected with RYR1-related disorders in the literature. This variant has not been identified in the general population by the Genome Aggregation Database (gnomAD). A different variant occurring at the same codon, p.Gly248Arg, is a well documented pathogenic mutation (ClinVar Variation ID: 133203), indicating that glycine at this position is important for RYR1 protein function. The available evidence is insufficient to determine the role of this variant in disease conclusively. Therefore, this variant is classified as a Variant of Uncertain Significance.

Labcorp Genetics (formerly Invitae), Labcorp
Classification: Uncertain significance for RYR1-related disorder. Last evaluated: 2021-07-31. Review status: criteria provided, single submitter. Criteria: Invitae Variant Classification Sherloc (09022015). Collection method: clinical testing. Allele origin: germline.
Comment: This sequence change replaces glycine with alanine at codon 248 of the RYR1 protein (p.Gly248Ala). The glycine residue is highly conserved and there is a small physicochemical difference between glycine and alanine. This variant is not present in population databases (ExAC no frequency). In summary, the available evidence is currently insufficient to determine the role of this variant in disease. Therefore, it has been classified as a Variant of Uncertain Significance. This variant disrupts the p.Gly248 amino acid residue in RYR1. Other variant(s) that disrupt this residue have been determined to be pathogenic (PMID: 15448513, 18564801). This suggests that this residue is clinically significant, and that variants that disrupt this residue are likely to be disease-causing. Advanced modeling of protein sequence and biophysical properties (such as structural, functional, and spatial information, amino acid conservation, physicochemical variation, residue mobility, and thermodynamic stability) performed at Invitae indicates that this missense variant is not expected to disrupt RYR1 protein function. This variant has not been reported in the literature in individuals affected with RYR1-related conditions.

Literature cited by the submitters: PubMed 15448513 (cited by Labcorp Genetics (formerly Invitae), Labcorp); PubMed 18564801 (cited by Labcorp Genetics (formerly Invitae), Labcorp).

NM_000540.3(RYR1):c.743G>C (p.Gly248Ala)

Gene: RYR1 (ryanodine receptor 1; plus strand). Cytogenetic location: 19q13.2.
Variant type: single nucleotide variant.
Coding change: c.743G>C on transcript NM_000540.3 (MANE Select); coding-DNA position 743, G replaced by C.
Protein change: p.Gly248Ala; replaces glycine 248 with alanine.
Molecular consequence: missense variant.
Genome position (GRCh38, 1-based): chr19:38,446,711, G>C. VCF-style: chr19-38446711-G-C. GRCh37 (hg19) VCF-style: chr19-38937351-G-C.
Other names: c.743G>C, p.Gly248Ala (NM_001042723.2); short protein forms G248A.
Identifiers: ClinVar variation 1373558 (VCV001373558.6), dbSNP rs989228219, ClinGen allele CA405680210.